The following is an entry in ClinVar:

NM_017654.4(SAMD9):c.3176A>T (p.His1059Leu)

Gene: SAMD9 (sterile alpha motif domain containing 9; minus strand). Cytogenetic location: 7q21.2.
Variant type: single nucleotide variant.
Coding change: c.3176A>T on transcript NM_017654.4 (MANE Select); coding-DNA position 3176, A replaced by T.
Protein change: p.His1059Leu; replaces histidine 1059 with leucine.
Molecular consequence: missense variant.
Genome position (GRCh38, 1-based): chr7:93,102,922, T>A on the plus strand (A>T on the coding strand, the complement: SAMD9 is on the minus strand). VCF-style: chr7-93102922-T-A. GRCh37 (hg19) VCF-style: chr7-92732235-T-A.
Other names: c.3176A>T, p.His1059Leu (NM_001193307.2); short protein forms H1059L.
Identifiers: ClinVar variation 4629979 (VCV004629979.1).
Genomic context (GRCh38, chr7:93,102,922, plus strand): 5'-TTGAACCGATGGATACTTTCAAGCAATACAGCTTCAACTGCTTCATTTCCTTCATCTTTA[T>A]GTAATGCTTCAATAAATGGGGAAAACCAATTTCCTGTTTCACCTTCATGTTCATCGCGGT-3'
Protein context (NP_060124.2, residues 1049-1069): NWFSPFIEAL[His1059Leu]KDEGNEAVEA

ClinVar aggregate classification (germline): Uncertain significance (1 of 4 stars; one submission).

Conditions:
Inborn genetic diseases. Identifiers: MedGen C0950123, MeSH D030342.

gnomAD v4.1: 2 of 1,613,934 alleles (0.00012%); highest among the groups gnomAD compares: African/African-American, 0.0013%; no homozygotes.

Submission:

Ambry Genetics
Classification: Uncertain significance for Inborn genetic diseases. Last evaluated: 2025-12-04. Review status: criteria provided, single submitter. Criteria: Ambry Variant Classification Scheme 2023. Collection method: clinical testing. Allele origin: germline.
Comment: The p.H1059L variant (also known as c.3176A>T), located in coding exon 1 of the SAMD9 gene, results from an A to T substitution at nucleotide position 3176. The histidine at codon 1059 is replaced by leucine, an amino acid with similar properties. This amino acid position is conserved. In addition, this alteration is predicted to be tolerated by in silico analysis. Based on the available evidence, the clinical significance of this variant remains unclear.